The following is an entry in ClinVar:

ClinVar aggregate classification (germline): Pathogenic (1 of 4 stars; one submission).

Conditions:
Diffuse cerebral and cerebellar atrophy - intractable seizures - progressive microcephaly syndrome. Also called: Microcephaly, progressive, with seizures and cerebral and cerebellar atrophy. Identifiers: Orphanet 404437, MedGen C4014239, MONDO:0014335, OMIM 615760.

Allele frequency attached by ClinVar (database versions not stated): gnomAD exomes 0.00001.

Submission:

Labcorp Genetics (formerly Invitae), Labcorp
Classification: Pathogenic for Diffuse cerebral and cerebellar atrophy - intractable seizures - progressive microcephaly syndrome. Last evaluated: 2024-08-05. Review status: criteria provided, single submitter. Criteria: Invitae Variant Classification Sherloc (09022015). Collection method: clinical testing. Allele origin: germline.
Comment: This sequence change creates a premature translational stop signal (p.Lys496*) in the QARS gene. It is expected to result in an absent or disrupted protein product. Loss-of-function variants in QARS are known to be pathogenic (PMID: 24656866, 25471517). This variant is not present in population databases (gnomAD no frequency). This premature translational stop signal has been observed in individual(s) with early-onset epileptic encephalopathy (PMID: 25471517). It has also been observed to segregate with disease in related individuals. ClinVar contains an entry for this variant (Variation ID: 1069375). For these reasons, this variant has been classified as Pathogenic.

Literature cited by the submitters: PubMed 24656866 (cited by Labcorp Genetics (formerly Invitae), Labcorp); PubMed 25471517 (cited by Labcorp Genetics (formerly Invitae), Labcorp).

NM_005051.3(QARS1):c.1485dup (p.Lys496Ter)

Gene: QARS1 (glutaminyl-tRNA synthetase 1; minus strand). Cytogenetic location: 3p21.31.
Variant type: Duplication.
Coding change: c.1485dup on transcript NM_005051.3 (MANE Select); coding-DNA position 1485, one base duplicated (T; older notation c.1485dupT).
Protein change: p.Lys496Ter; replaces lysine 496 with a stop codon.
Molecular consequence: nonsense. On other transcripts: non-coding transcript variant (1).
Genome position (GRCh38, 1-based): chr3:49,099,551, A duplicated on the plus strand (T on the coding strand, the reverse complement: QARS1 is on the minus strand). VCF-style (leftmost placement, unchanged base first): chr3-49099550-T-TA. GRCh37 (hg19) VCF-style: chr3-49136983-T-TA.
Other names: c.1452dup, p.Lys485Ter (NM_001272073.2); short protein forms K485*, K496*.
Identifiers: ClinVar variation 1069375 (VCV001069375.6), dbSNP rs2042438780, ClinGen allele CA916079858.